The following is an entry in ClinVar:

NM_139057.4(ADAMTS17):c.2028_2029del (p.Cys676_Asp677delinsTer)

Gene: ADAMTS17 (ADAM metallopeptidase with thrombospondin type 1 motif 17; minus strand). Cytogenetic location: 15q26.3.
Variant type: Microsatellite.
Coding change: c.2028_2029del on transcript NM_139057.4 (MANE Select); coding-DNA positions 2028 to 2029, 2 bases deleted (TG; older notation c.2028_2029delTG).
Protein change: p.Cys676_Asp677delinsTer.
Molecular consequence: nonsense.
Genome position (GRCh38, 1-based): chr15:100,096,464-100,096,465, CA deleted on the plus strand (TG on the coding strand, the reverse complement: ADAMTS17 is on the minus strand); deleting any 2 consecutive bases within chr15:100,096,464-100,096,467 gives the same sequence; the c. name uses the placement nearest the transcript's 3' end. VCF-style (leftmost placement, unchanged base first): chr15-100096463-TCA-T. GRCh37 (hg19) VCF-style: chr15-100636668-TCA-T.
Identifiers: ClinVar variation 3643314 (VCV003643314.2).

ClinVar aggregate classification (germline): Pathogenic (1 of 4 stars; one submission).

Submission:

Labcorp Genetics (formerly Invitae), Labcorp
Classification: Pathogenic. Last evaluated: 2024-02-25. Review status: criteria provided, single submitter. Criteria: Invitae Variant Classification Sherloc (09022015). Collection method: clinical testing. Allele origin: germline.
Comment: This sequence change creates a premature translational stop signal (p.Cys676*) in the ADAMTS17 gene. It is expected to result in an absent or disrupted protein product. Loss-of-function variants in ADAMTS17 are known to be pathogenic (PMID: 19836009, 24940034). This variant is not present in population databases (gnomAD no frequency). This variant has not been reported in the literature in individuals affected with ADAMTS17-related conditions. For these reasons, this variant has been classified as Pathogenic.

Literature cited by the submitters: PubMed 19836009; PubMed 24940034.